The following is an entry in ClinVar:

ClinVar aggregate classification (germline): Uncertain significance (1 of 4 stars; one submission).

Conditions:
Hereditary sensory and autonomic neuropathy type 6. Also called: HSAN VI; Neuropathy, hereditary sensory and autonomic, type VI. Identifiers: Orphanet 314381, MedGen C3539003, MONDO:0013839, OMIM 614653.
Epidermolysis bullosa simplex 3, localized or generalized intermediate, with BP230 deficiency (EBS3). Also called: Epidermolysis bullosa simplex, autosomal recessive 2; Epidermolysis bullosa simplex due to BP230 deficiency. Identifiers: Orphanet 412181, MedGen C3809470, MONDO:0014180, OMIM 615425.

Allele frequency attached by ClinVar (database versions not stated): gnomAD exomes 0.00002; gnomAD 0.00003; TOPMed 0.00003; ExAC 0.00004.
gnomAD v4.1: 40 of 1,614,056 alleles (0.0025%); highest among the groups gnomAD compares: South Asian, 0.016%; no homozygotes.

Submission:

Labcorp Genetics (formerly Invitae), Labcorp
Classification: Uncertain significance for Epidermolysis bullosa simplex 3, localized or generalized intermediate, with BP230 deficiency; Hereditary sensory and autonomic neuropathy type 6. Last evaluated: 2022-03-27. Review status: criteria provided, single submitter. Criteria: Invitae Variant Classification Sherloc (09022015). Collection method: clinical testing. Allele origin: germline.
Comment: This sequence change replaces lysine, which is basic and polar, with glutamine, which is neutral and polar, at codon 1794 of the DST protein (p.Lys1794Gln). This variant is present in population databases (rs748545347, gnomAD 0.01%). This variant has not been reported in the literature in individuals affected with DST-related conditions. Algorithms developed to predict the effect of missense changes on protein structure and function (SIFT, PolyPhen-2, Align-GVGD) all suggest that this variant is likely to be tolerated. In summary, the available evidence is currently insufficient to determine the role of this variant in disease. Therefore, it has been classified as a Variant of Uncertain Significance.

NM_001723.7(DST):c.5380A>C (p.Lys1794Gln)

Gene: DST (dystonin; minus strand). Cytogenetic location: 6p12.1.
Variant type: single nucleotide variant.
Coding change: c.5380A>C on transcript NM_001723.7 (MANE Plus Clinical); coding-DNA position 5380, A replaced by C.
Protein change: p.Lys1794Gln; replaces lysine 1794 with glutamine.
Molecular consequence: missense variant. On other transcripts: intron variant (10).
Genome position (GRCh38, 1-based): chr6:56,618,654, T>G on the plus strand (A>C on the coding strand, the complement: DST is on the minus strand). VCF-style: chr6-56618654-T-G. GRCh37 (hg19) VCF-style: chr6-56483452-T-G.
Other names: c.4831-4170A>C (NM_001144769.5); c.4930-4170A>C (NM_001374722.1, NM_001374736.1); c.4957-4170A>C (NM_001374734.1); c.4417-4170A>C (NM_001144770.2); c.4297-4170A>C (NM_001374730.1, NM_001386100.1, NM_183380.4 and 1 more transcripts); c.3319-4170A>C (NM_015548.5); short protein forms K1794Q.
Identifiers: ClinVar variation 1431308 (VCV001431308.3), dbSNP rs748545347, ClinGen allele CA3870371.